The following is an entry in ClinVar:

ClinVar aggregate classification (germline): Uncertain significance (1 of 4 stars; one submission).

Allele frequency attached by ClinVar (database versions not stated): ExAC 0.00001.
gnomAD v4.1: 1 of 1,614,142 alleles (0.000062%); highest among the groups gnomAD compares: Admixed American, 0.0017%; no homozygotes.

Submission:

Labcorp Genetics (formerly Invitae), Labcorp
Classification: Uncertain significance. Last evaluated: 2024-10-29. Review status: criteria provided, single submitter. Criteria: Invitae Variant Classification Sherloc (09022015). Collection method: clinical testing. Allele origin: germline.
Comment: This sequence change replaces threonine, which is neutral and polar, with isoleucine, which is neutral and non-polar, at codon 910 of the TTBK2 protein (p.Thr910Ile). This variant is present in population databases (rs751712578, gnomAD 0.003%). This variant has not been reported in the literature in individuals affected with TTBK2-related conditions. ClinVar contains an entry for this variant (Variation ID: 2805616). An algorithm developed to predict the effect of missense changes on protein structure and function (PolyPhen-2) suggests that this variant is likely to be tolerated. In summary, the available evidence is currently insufficient to determine the role of this variant in disease. Therefore, it has been classified as a Variant of Uncertain Significance.

NM_173500.4(TTBK2):c.2729C>T (p.Thr910Ile)

Gene: TTBK2 (tau tubulin kinase 2; minus strand). Cytogenetic location: 15q15.2.
Variant type: single nucleotide variant.
Coding change: c.2729C>T on transcript NM_173500.4 (MANE Select); coding-DNA position 2729, C replaced by T.
Protein change: p.Thr910Ile; replaces threonine 910 with isoleucine.
Molecular consequence: missense variant.
Genome position (GRCh38, 1-based): chr15:42,752,517, G>A on the plus strand (C>T on the coding strand, the complement: TTBK2 is on the minus strand). VCF-style: chr15-42752517-G-A. GRCh37 (hg19) VCF-style: chr15-43044715-G-A.
Other names: short protein forms T910I.
Identifiers: ClinVar variation 2805616 (VCV002805616.3), dbSNP rs751712578, ClinGen allele CA7516693.